The following is an entry in ClinVar:

ClinVar aggregate classification (germline): Uncertain significance. Review status: criteria provided, multiple submitters, no conflicts (2 of 4 stars). 2 submissions from 2 submitters: Uncertain significance (2). Last evaluated 2022-11-11.

Conditions:
Neurodevelopmental disorder with or without early-onset generalized epilepsy. Identifiers: MedGen C5436914, MONDO:0030930, OMIM 619157.

gnomAD v4.1: 1 of 1,610,270 alleles (0.000062%); highest among the groups gnomAD compares: Non-Finnish European, 0.000085%; no homozygotes.

Submissions (2):

Laboratorio de Genetica e Diagnostico Molecular, Hospital Israelita Albert Einstein
Classification: Uncertain significance for Neurodevelopmental disorder with or without early-onset generalized epilepsy. Last evaluated: 2022-11-11. Review status: criteria provided, single submitter. Criteria: ACMG Guidelines, 2015. Collection method: clinical testing. Allele origin: germline. Affected: yes. Observed: 1 variant allele.
Comment: ACMG classification criteria: PM2 moderated, PP2 supporting, BP4 supporting

New York Genome Center
Classification: Uncertain significance. Last evaluated: 2020-07-14. Review status: criteria provided, single submitter. Criteria: NYGC Assertion Criteria 2020. Collection method: clinical testing. Allele origin: inherited. Observed: 1 heterozygote. Study: CSER-NYCKidSeq.

NM_001385012.1(NBEA):c.4796A>G (p.Asn1599Ser)

Gene: NBEA (neurobeachin; plus strand). Cytogenetic location: 13q13.3.
Variant type: single nucleotide variant.
Coding change: c.4796A>G on transcript NM_001385012.1 (MANE Select); coding-DNA position 4796, A replaced by G.
Protein change: p.Asn1599Ser; replaces asparagine 1599 with serine.
Molecular consequence: missense variant.
Genome position (GRCh38, 1-based): chr13:35,182,493, A>G. VCF-style: chr13-35182493-A-G. GRCh37 (hg19) VCF-style: chr13-35756630-A-G.
Other names: c.4787A>G, p.Asn1596Ser (NM_001379245.1); c.4796A>G, p.Asn1599Ser (NM_015678.5); short protein forms N1596S, N1599S.
Identifiers: ClinVar variation 1184364 (VCV001184364.2), dbSNP rs2152730933, ClinGen allele CA387833100.